The following is an entry in ClinVar:

ClinVar aggregate classification (germline): Uncertain significance. Review status: criteria provided, multiple submitters, no conflicts (2 of 4 stars). 2 submissions from 2 submitters: Uncertain significance (2). Last evaluated 2024-12-04.

gnomAD v4.1: 1 of 1,246,946 alleles (0.00008%); highest among the groups gnomAD compares: Admixed American, 0.004%; no homozygotes.

Submissions (2):

Ambry Genetics
Classification: Uncertain significance. Last evaluated: 2024-12-04. Review status: criteria provided, single submitter. Criteria: Ambry Variant Classification Scheme 2023. Collection method: clinical testing. Allele origin: germline.

Labcorp Genetics (formerly Invitae), Labcorp
Classification: Uncertain significance. Last evaluated: 2023-07-17. Review status: criteria provided, single submitter. Criteria: Invitae Variant Classification Sherloc (09022015). Collection method: clinical testing. Allele origin: germline.
Comment: This sequence change replaces alanine, which is neutral and non-polar, with aspartic acid, which is acidic and polar, at codon 25 of the FBLN1 protein (p.Ala25Asp). This variant is not present in population databases (gnomAD no frequency). This variant has not been reported in the literature in individuals affected with FBLN1-related conditions. ClinVar contains an entry for this variant (Variation ID: 2184023). Experimental studies and prediction algorithms are not available or were not evaluated, and the functional significance of this variant is currently unknown. In summary, the available evidence is currently insufficient to determine the role of this variant in disease. Therefore, it has been classified as a Variant of Uncertain Significance.

NM_006486.3(FBLN1):c.74C>A (p.Ala25Asp)

Gene: FBLN1 (fibulin 1; plus strand). Cytogenetic location: 22q13.31.
Variant type: single nucleotide variant.
Coding change: c.74C>A on transcript NM_006486.3 (MANE Select); coding-DNA position 74, C replaced by A.
Protein change: p.Ala25Asp; replaces alanine 25 with aspartic acid.
Molecular consequence: missense variant.
Genome position (GRCh38, 1-based): chr22:45,503,059, C>A. VCF-style: chr22-45503059-C-A. GRCh37 (hg19) VCF-style: chr22-45898939-C-A.
Other names: c.74C>A (NM_006486.2); c.74C>A, p.Ala25Asp (NM_001996.4, NM_006485.4, NM_006487.3); short protein forms A25D.
Identifiers: ClinVar variation 2184023 (VCV002184023.5), dbSNP rs528661383, ClinGen allele CA411886514.